The following is an entry in ClinVar:

NM_001364905.1(LRBA):c.1923_1924+11del

Gene: LRBA (LPS responsive beige-like anchor protein; minus strand). Cytogenetic location: 4q31.3.
Variant type: Deletion.
Coding change: c.1923_1924+11del on transcript NM_001364905.1 (MANE Select); coding-DNA position 1923 through 11 bases into the intron after coding-DNA position 1924, 13 bases deleted (AGGTATATAATTT).
Molecular consequence: splice donor variant.
Genome position (GRCh38, 1-based): chr4:150,900,038-150,900,050, AAATTATATACCT deleted on the plus strand (AGGTATATAATTT on the coding strand, the reverse complement: LRBA is on the minus strand); deleting any 13 consecutive bases within chr4:150,900,038-150,900,052 gives the same sequence; the c. name uses the placement nearest the transcript's 3' end. VCF-style (leftmost placement, unchanged base first): chr4-150900037-GAAATTATATACCT-G. GRCh37 (hg19) VCF-style: chr4-151821189-GAAATTATATACCT-G.
Other names: c.1923_1924+11del (NM_001367550.1, NM_006726.5, NM_001199282.3 and 2 more transcripts); c.1923_1924+11delAGGTATATAATTT (NM_006726.4).
Identifiers: ClinVar variation 968938 (VCV000968938.6), dbSNP rs755373718, ClinGen allele CA3103444.
Genomic context (GRCh38, chr4:150,900,037, plus strand): 5'-GTTAAAACAAAAAGAAAAATTAAATCCTGATTTGCATTTGTGTAAAGTAATATACAGACA[GAAATTATATACCT>G]AATCCTTTTGGGGTGATACCACTTCGATCCTGAGGATTCACTGCCCAGTAGTAGTACTTC-3'

ClinVar aggregate classification (germline): Likely pathogenic. Review status: criteria provided, multiple submitters, no conflicts (2 of 4 stars). 2 submissions from 2 submitters: Likely pathogenic (2). Last evaluated 2025-03-12.

Conditions:
Combined immunodeficiency due to LRBA deficiency. Also called: Common variable immunodeficiency 8, with autoimmunity. Identifiers: Orphanet 445018, MedGen C3553512, MONDO:0013863, OMIM 614700.

Submissions (2):

Labcorp Genetics (formerly Invitae), Labcorp
Classification: Likely pathogenic for Combined immunodeficiency due to LRBA deficiency. Last evaluated: 2025-03-12. Review status: criteria provided, single submitter. Criteria: Invitae Variant Classification Sherloc (09022015). Collection method: clinical testing. Allele origin: germline.
Comment: This variant results in the deletion of part of exon 14 (c.1923_1924+11del) of the LRBA gene. It is expected to disrupt RNA splicing. Variants that disrupt the donor or acceptor splice site typically lead to a loss of protein function (PMID: 16199547), and loss-of-function variants in LRBA are known to be pathogenic (PMID: 26206937, 26768763). This variant is present in population databases (rs755373718, gnomAD 0.004%). This variant has not been reported in the literature in individuals affected with LRBA-related conditions. ClinVar contains an entry for this variant (Variation ID: 968938). In summary, the currently available evidence indicates that the variant is pathogenic, but additional data are needed to prove that conclusively. Therefore, this variant has been classified as Likely Pathogenic.

Fulgent Genetics
Classification: Likely pathogenic for Combined immunodeficiency due to LRBA deficiency. Last evaluated: 2022-04-25. Review status: criteria provided, single submitter. Criteria: ACMG Guidelines, 2015. Collection method: clinical testing. Allele origin: unknown.

Literature cited by the submitters: PubMed 16199547 (cited by Labcorp Genetics (formerly Invitae), Labcorp); PubMed 26206937 (cited by Labcorp Genetics (formerly Invitae), Labcorp); PubMed 26768763 (cited by Labcorp Genetics (formerly Invitae), Labcorp).